The following is an entry in ClinVar:

NM_198253.3(TERT):c.3337A>C (p.Thr1113Pro)

Gene: TERT (telomerase reverse transcriptase; minus strand). Cytogenetic location: 5p15.33.
Variant type: single nucleotide variant.
Coding change: c.3337A>C on transcript NM_198253.3 (MANE Select); coding-DNA position 3337, A replaced by C.
Protein change: p.Thr1113Pro; replaces threonine 1113 with proline.
Molecular consequence: missense variant. On other transcripts: non-coding transcript variant (2).
Genome position (GRCh38, 1-based): chr5:1,253,790, T>G on the plus strand (A>C on the coding strand, the complement: TERT is on the minus strand). VCF-style: chr5-1253790-T-G. GRCh37 (hg19) VCF-style: chr5-1253905-T-G.
Other names: c.3148A>C, p.Thr1050Pro (NM_001193376.3); c.3337A>C, p.Thr1113Pro (NM_003219.1); short protein forms T1113P, T1050P.
Identifiers: ClinVar variation 2953565 (VCV002953565.3), dbSNP rs2478066382, ClinGen allele CA359066751.

ClinVar aggregate classification (germline): Uncertain significance (1 of 4 stars; one submission).

Conditions:
Dyskeratosis congenita, autosomal dominant 2. Identifiers: MedGen C3151443, MONDO:0013521, OMIM 613989.
Idiopathic Pulmonary Fibrosis. Also called: Idiopathic fibrosing alveolitis, chronic form; idiopathic fibrosing alveolitis. Identifiers: Orphanet 2032, MedGen C1800706, MeSH D054990, MONDO:0800504.

Submission:

Labcorp Genetics (formerly Invitae), Labcorp
Classification: Uncertain significance for Dyskeratosis congenita, autosomal dominant 2; Idiopathic Pulmonary Fibrosis. Last evaluated: 2023-11-05. Review status: criteria provided, single submitter. Criteria: Invitae Variant Classification Sherloc (09022015). Collection method: clinical testing. Allele origin: germline.
Comment: This sequence change replaces threonine, which is neutral and polar, with proline, which is neutral and non-polar, at codon 1113 of the TERT protein (p.Thr1113Pro). This variant is not present in population databases (gnomAD no frequency). This variant has not been reported in the literature in individuals affected with TERT-related conditions. Advanced modeling of protein sequence and biophysical properties (such as structural, functional, and spatial information, amino acid conservation, physicochemical variation, residue mobility, and thermodynamic stability) has been performed at Invitae for this missense variant, however the output from this modeling did not meet the statistical confidence thresholds required to predict the impact of this variant on TERT protein function. In summary, the available evidence is currently insufficient to determine the role of this variant in disease. Therefore, it has been classified as a Variant of Uncertain Significance.